The following is an entry in ClinVar:

ClinVar aggregate classification (germline): Uncertain significance. Review status: criteria provided, multiple submitters, no conflicts (2 of 4 stars). 3 submissions from 3 submitters: Uncertain significance (2). 1 of the submissions does not count toward it. Last evaluated 2024-10-18.

Conditions:
Aicardi-Goutieres syndrome 5. Identifiers: Orphanet 51, MedGen C2749659, MONDO:0013059, OMIM 612952.
Aicardi Goutieres syndrome (AGS). Also called: Encephalopathy, familial infantile, with calcification of basal ganglia and chronic cerebrospinal fluid lymphocytosis. Identifiers: Orphanet 51, MedGen C0393591, MONDO:0018866.

Allele frequency attached by ClinVar (database versions not stated): gnomAD exomes below 0.00001 and 0.00001; TOPMed below 0.00001; ExAC 0.00001.
gnomAD v4.1: 9 of 1,613,554 alleles (0.00056%); highest among the groups gnomAD compares: Non-Finnish European, 0.00068%; no homozygotes.

Submissions (3):

Blueprint Genetics
Classification: Uncertain significance. Last evaluated: 2024-10-18. Review status: criteria provided, single submitter. Criteria: ACMG Guidelines, 2015. Collection method: clinical testing. Allele origin: germline.

Labcorp Genetics (formerly Invitae), Labcorp
Classification: Uncertain significance for Aicardi-Goutieres syndrome 5. Last evaluated: 2022-07-25. Review status: criteria provided, single submitter. Criteria: Invitae Variant Classification Sherloc (09022015). Collection method: clinical testing. Allele origin: germline.
Comment: This sequence change replaces proline, which is neutral and non-polar, with leucine, which is neutral and non-polar, at codon 227 of the SAMHD1 protein (p.Pro227Leu). This variant is present in population databases (rs753391551, gnomAD 0.0009%). This variant has not been reported in the literature in individuals affected with SAMHD1-related conditions. ClinVar contains an entry for this variant (Variation ID: 1008569). Algorithms developed to predict the effect of missense changes on protein structure and function (SIFT, PolyPhen-2, Align-GVGD) all suggest that this variant is likely to be tolerated. In summary, the available evidence is currently insufficient to determine the role of this variant in disease. Therefore, it has been classified as a Variant of Uncertain Significance.

Natera, Inc.
Classification: Uncertain significance for Aicardi-Goutieres syndrome. Last evaluated: 2020-01-24. Review status: no assertion criteria provided. Collection method: clinical testing. Allele origin: germline. Not counted in ClinVar's aggregate classification.

NM_015474.4(SAMHD1):c.680C>T (p.Pro227Leu)

Gene: SAMHD1 (SAM and HD domain containing deoxynucleoside triphosphate triphosphohydrolase 1; minus strand). Cytogenetic location: 20q11.23.
Variant type: single nucleotide variant.
Coding change: c.680C>T on transcript NM_015474.4 (MANE Select); coding-DNA position 680, C replaced by T.
Protein change: p.Pro227Leu; replaces proline 227 with leucine.
Molecular consequence: missense variant.
Genome position (GRCh38, 1-based): chr20:36,927,198, G>A on the plus strand (C>T on the coding strand, the complement: SAMHD1 is on the minus strand). VCF-style: chr20-36927198-G-A. GRCh37 (hg19) VCF-style: chr20-35555601-G-A.
Other names: c.680C>T, p.Pro227Leu (NM_001363729.2, NM_001363733.2); short protein forms P227L.
Identifiers: ClinVar variation 1008569 (VCV001008569.8), dbSNP rs753391551, ClinGen allele CA9844680.